The following is an entry in ClinVar:

ClinVar aggregate classification (germline): Uncertain significance. Review status: criteria provided, multiple submitters, no conflicts (2 of 4 stars). 2 submissions from 2 submitters: Uncertain significance (2). Last evaluated 2024-11-27.

Conditions:
RASopathy. Also called: rasopathies; Noonan spectrum disorder. Identifiers: Orphanet 536391, MedGen C5555857, MONDO:0021060.

Allele frequency attached by ClinVar (database versions not stated): gnomAD exomes below 0.00001; ExAC 0.00001; gnomAD 0.00001.
gnomAD v4.1: 4 of 1,613,924 alleles (0.00025%); highest among the groups gnomAD compares: Admixed American, 0.0017%; no homozygotes.

Submissions (2):

GeneDx
Classification: Uncertain significance. Last evaluated: 2024-11-27. Review status: criteria provided, single submitter. Criteria: GeneDx Variant Classification Process June 2021. Collection method: clinical testing. Allele origin: germline. Affected: yes.
Comment: In silico analysis supports that this missense variant has a deleterious effect on protein structure/function; Missense variants in this gene are a common cause of disease and they are underrepresented in the general population; Has not been previously published as pathogenic or benign to our knowledge; This variant is associated with the following publications: (PMID: 29493581, 24957944, 9689060, 15520807, 17603483, 17603482, 19020799)

Labcorp Genetics (formerly Invitae), Labcorp
Classification: Uncertain significance for RASopathy. Last evaluated: 2024-11-04. Review status: criteria provided, single submitter. Criteria: Invitae Variant Classification Sherloc (09022015). Collection method: clinical testing. Allele origin: germline.
Comment: This sequence change replaces arginine, which is basic and polar, with tryptophan, which is neutral and slightly polar, at codon 618 of the RAF1 protein (p.Arg618Trp). This variant is present in population databases (rs757290878, gnomAD 0.003%). This variant has not been reported in the literature in individuals affected with RAF1-related conditions. ClinVar contains an entry for this variant (Variation ID: 1413764). Invitae Evidence Modeling incorporating data from in vitro experimental studies (internal data) indicates that this missense variant is not expected to disrupt RAF1 function with a negative predictive value of 95%. In summary, the available evidence is currently insufficient to determine the role of this variant in disease. Therefore, it has been classified as a Variant of Uncertain Significance.

NM_002880.4(RAF1):c.1852C>T (p.Arg618Trp)

Gene: RAF1 (Raf-1 proto-oncogene, serine/threonine kinase; minus strand). Cytogenetic location: 3p25.2.
Variant type: single nucleotide variant.
Coding change: c.1852C>T on transcript NM_002880.4 (MANE Select); coding-DNA position 1852, C replaced by T.
Protein change: p.Arg618Trp; replaces arginine 618 with tryptophan.
Molecular consequence: missense variant. On other transcripts: non-coding transcript variant (3).
Genome position (GRCh38, 1-based): chr3:12,584,609, G>A on the plus strand (C>T on the coding strand, the complement: RAF1 is on the minus strand). VCF-style: chr3-12584609-G-A. GRCh37 (hg19) VCF-style: chr3-12626108-G-A.
Other names: c.1852C>T (NM_002880.3); c.1912C>T, p.Arg638Trp (NM_001354689.3); c.1852C>T, p.Arg618Trp (NM_001354690.3); c.1609C>T, p.Arg537Trp (NM_001354691.3, NM_001354692.3); c.1753C>T, p.Arg585Trp (NM_001354693.3); c.1669C>T, p.Arg557Trp (NM_001354694.3); c.1510C>T, p.Arg504Trp (NM_001354695.3); short protein forms R537W, R618W, R504W, R557W, R585W, R638W.
Identifiers: ClinVar variation 1413764 (VCV001413764.9), dbSNP rs757290878, ClinGen allele CA2259382.